The following is an entry in ClinVar:

ClinVar aggregate classification (germline): Likely benign (1 of 4 stars; one submission).

Conditions:
Parenti-mignot neurodevelopmental syndrome. Identifiers: MedGen C5676984, MONDO:0859249, OMIM 619873.

Allele frequency attached by ClinVar (database versions not stated): gnomAD exomes below 0.00001.
gnomAD v4.1: 6 of 1,608,072 alleles (0.00037%); highest among the groups gnomAD compares: Non-Finnish European, 0.00051%; no homozygotes.

Submission:

Victorian Clinical Genetics Services, Murdoch Childrens Research Institute
Classification: Likely benign for Parenti-mignot neurodevelopmental syndrome. Last evaluated: 2024-10-09. Review status: criteria provided, single submitter. Criteria: ACMG Guidelines, 2015. Collection method: clinical testing. Allele origin: germline. Inheritance: Autosomal dominant inheritance. Affected: yes.
Comment: Based on the classification scheme VCGS_Germline_v1.3.4, this variant is classified as Likely benign. Following criteria are met: 0102 - Loss of function is a known mechanism of disease in this gene and is associated with Parenti-Mignot neurodevelopmental syndrome (MIM#619873). (I) 0107 - This gene is associated with autosomal dominant disease. (I) 0115 - Variants in this gene are known to have variable expressivity, with intrafamilial variability (PMID: 33944996). (I) 0200 - Variant is predicted to result in a missense amino acid change from arginine to tryptophan. (I) 0251 - This variant is heterozygous. (I) 0301 - Variant is absent from gnomAD (both v2 and v3). (SP) 0309 - An alternative amino acid change at the same position has been observed in gnomAD (v2) (2 heterozygotes, 0 homozygotes). (I) 0501 - Missense variant consistently predicted to be damaging by multiple in silico tools or highly conserved with a major amino acid change. (SP) 0600 - Variant is located in the annotated HD subfamily II, SANT-like domain (DECIPHER). (I) 0705 - No comparable missense variants have previous evidence for pathogenicity. (I) 0807 - This variant has no previous evidence of pathogenicity. (I) 0905 - No published segregation evidence has been identified for this variant. (I) 1007 - No published functional evidence has been identified for this variant. (I) 1207 - Parental origin of the variant is unresolved. (I) Legend: (SP) - Supporting pathogenic, (I) - Information, (SB) - Supporting benign

Literature cited by the submitters: PubMed 33944996.

NM_015557.3(CHD5):c.4189C>T (p.Arg1397Trp)

Gene: CHD5 (chromodomain helicase DNA binding protein 5; minus strand). Cytogenetic location: 1p36.31.
Variant type: single nucleotide variant.
Coding change: c.4189C>T on transcript NM_015557.3 (MANE Select); coding-DNA position 4189, C replaced by T.
Protein change: p.Arg1397Trp; replaces arginine 1397 with tryptophan.
Molecular consequence: missense variant.
Genome position (GRCh38, 1-based): chr1:6,125,595, G>A on the plus strand (C>T on the coding strand, the complement: CHD5 is on the minus strand). VCF-style: chr1-6125595-G-A. GRCh37 (hg19) VCF-style: chr1-6185655-G-A.
Other names: short protein forms R1397W.
Identifiers: ClinVar variation 3255099 (VCV003255099.2), dbSNP rs1465068123.